The following is an entry in ClinVar:

NM_001166114.2(PNPLA6):c.401A>G (p.Asn134Ser)

Gene: PNPLA6 (patatin like domain 6, lysophospholipase; plus strand). Cytogenetic location: 19p13.2.
Variant type: single nucleotide variant.
Coding change: c.401A>G on transcript NM_001166114.2 (MANE Select); coding-DNA position 401, A replaced by G.
Protein change: p.Asn134Ser; replaces asparagine 134 with serine.
Molecular consequence: missense variant.
Genome position (GRCh38, 1-based): chr19:7,536,534, A>G. VCF-style: chr19-7536534-A-G. GRCh37 (hg19) VCF-style: chr19-7601420-A-G.
Other names: c.428A>G, p.Asn143Ser (NM_001166111.2); c.284A>G, p.Asn95Ser (NM_001166112.2, NM_001166113.1, NM_006702.5); short protein forms N95S, N134S, N143S.
Identifiers: ClinVar variation 2078280 (VCV002078280.4), dbSNP rs2022879793, ClinGen allele CA403099181.

ClinVar aggregate classification (germline): Uncertain significance (1 of 4 stars; one submission).

Conditions:
Hereditary spastic paraplegia 39 (SPG39). Also called: SPASTIC PARAPLEGIA 39, AUTOSOMAL RECESSIVE; Spastic Paraplegia Type 39 (SPG39). Identifiers: Orphanet 139480, MedGen C2677586, MONDO:0012787, OMIM 612020.

Submission:

Labcorp Genetics (formerly Invitae), Labcorp
Classification: Uncertain significance for Hereditary spastic paraplegia 39. Last evaluated: 2022-10-17. Review status: criteria provided, single submitter. Criteria: Invitae Variant Classification Sherloc (09022015). Collection method: clinical testing. Allele origin: germline.
Comment: This sequence change replaces asparagine, which is neutral and polar, with serine, which is neutral and polar, at codon 95 of the PNPLA6 protein (p.Asn95Ser). This variant is not present in population databases (gnomAD no frequency). This variant has not been reported in the literature in individuals affected with PNPLA6-related conditions. Advanced modeling of protein sequence and biophysical properties (such as structural, functional, and spatial information, amino acid conservation, physicochemical variation, residue mobility, and thermodynamic stability) performed at Invitae indicates that this missense variant is not expected to disrupt PNPLA6 protein function. In summary, the available evidence is currently insufficient to determine the role of this variant in disease. Therefore, it has been classified as a Variant of Uncertain Significance.